The following is an entry in ClinVar:

NM_000553.6(WRN):c.2113A>G (p.Thr705Ala)

Gene: WRN (WRN RecQ like helicase; plus strand). Cytogenetic location: 8p12.
Variant type: single nucleotide variant.
Coding change: c.2113A>G on transcript NM_000553.6 (MANE Select); coding-DNA position 2113, A replaced by G.
Protein change: p.Thr705Ala; replaces threonine 705 with alanine.
Molecular consequence: missense variant.
Genome position (GRCh38, 1-based): chr8:31,111,639, A>G. VCF-style: chr8-31111639-A-G. GRCh37 (hg19) VCF-style: chr8-30969155-A-G.
Other names: short protein forms T705A.
Identifiers: ClinVar variation 2757189 (VCV002757189.3), dbSNP rs1801319761, ClinGen allele CA370912433.

ClinVar aggregate classification (germline): Uncertain significance (1 of 4 stars; one submission).

Conditions:
Werner syndrome (WRN). Identifiers: Orphanet 902, MedGen C0043119, MONDO:0010196, OMIM 277700.

Allele frequency attached by ClinVar (database versions not stated): gnomAD exomes below 0.00001; gnomAD 0.00001.
gnomAD v4.1: 2 of 1,613,944 alleles (0.00012%); highest among the groups gnomAD compares: Admixed American, 0.0017%; no homozygotes.

Submission:

Labcorp Genetics (formerly Invitae), Labcorp
Classification: Uncertain significance for Werner syndrome. Last evaluated: 2023-09-03. Review status: criteria provided, single submitter. Criteria: Invitae Variant Classification Sherloc (09022015). Collection method: clinical testing. Allele origin: germline.
Comment: This sequence change replaces threonine, which is neutral and polar, with alanine, which is neutral and non-polar, at codon 705 of the WRN protein (p.Thr705Ala). This variant is not present in population databases (gnomAD no frequency). This variant has not been reported in the literature in individuals affected with WRN-related conditions. An algorithm developed to predict the effect of missense changes on protein structure and function (PolyPhen-2) suggests that this variant is likely to be disruptive. In summary, the available evidence is currently insufficient to determine the role of this variant in disease. Therefore, it has been classified as a Variant of Uncertain Significance.